The following is an entry in ClinVar:

ClinVar aggregate classification (germline): Uncertain significance. Review status: criteria provided, multiple submitters, no conflicts (2 of 4 stars). 4 submissions from 4 submitters: Uncertain significance (3). 1 of the submissions does not count toward it. Last evaluated 2024-08-21.

Conditions:
Inborn genetic diseases. Identifiers: MedGen C0950123, MeSH D030342.
Retinal dystrophy. Also called: Inherited retinal dystrophy. Identifiers: Orphanet 71862, MedGen C0854723, MeSH D058499, MONDO:0019118, HP:0000556.

Allele frequency attached by ClinVar (database versions not stated): ExAC 0.00003; gnomAD 0.00004; gnomAD exomes 0.00004 and 0.00005; ESP Exome Variant Server 0.00008; TOPMed 0.00008.
gnomAD v4.1: 59 of 1,611,700 alleles (0.0037%); highest among the groups gnomAD compares: Non-Finnish European, 0.0048%; no homozygotes.

Submissions (4):

Blueprint Genetics
Classification: Uncertain significance. Last evaluated: 2024-08-21. Review status: criteria provided, single submitter. Criteria: ACMG Guidelines, 2015. Collection method: clinical testing. Allele origin: germline.

Ambry Genetics
Classification: Uncertain significance for Inborn genetic diseases. Last evaluated: 2023-09-22. Review status: criteria provided, single submitter. Criteria: Ambry Variant Classification Scheme 2023. Collection method: clinical testing. Allele origin: germline.

Labcorp Genetics (formerly Invitae), Labcorp
Classification: Uncertain significance. Last evaluated: 2022-10-17. Review status: criteria provided, single submitter. Criteria: Invitae Variant Classification Sherloc (09022015). Collection method: clinical testing. Allele origin: germline.
Comment: This sequence change replaces glycine, which is neutral and non-polar, with serine, which is neutral and polar, at codon 589 of the RGS9 protein (p.Gly589Ser). This variant is present in population databases (rs201578421, gnomAD 0.01%). This variant has not been reported in the literature in individuals affected with RGS9-related conditions. ClinVar contains an entry for this variant (Variation ID: 1421453). Algorithms developed to predict the effect of missense changes on protein structure and function are either unavailable or do not agree on the potential impact of this missense change (SIFT: "Deleterious"; PolyPhen-2: "Benign"; Align-GVGD: "Class C0"). In summary, the available evidence is currently insufficient to determine the role of this variant in disease. Therefore, it has been classified as a Variant of Uncertain Significance.

Institute of Human Genetics, Univ. Regensburg, Univ. Regensburg
Classification: Uncertain significance for Retinal dystrophy. Last evaluated: 2023-01-01. Review status: no assertion criteria provided. Criteria: ACMG Guidelines, 2015. Collection method: clinical testing. Allele origin: germline. Affected: yes. Not counted in ClinVar's aggregate classification.

NM_003835.4(RGS9):c.1765G>A (p.Gly589Ser)

Gene: RGS9 (regulator of G protein signaling 9; plus strand). Cytogenetic location: 17q24.1.
Variant type: single nucleotide variant.
Coding change: c.1765G>A on transcript NM_003835.4 (MANE Select); coding-DNA position 1765, G replaced by A.
Protein change: p.Gly589Ser; replaces glycine 589 with serine.
Molecular consequence: missense variant.
Genome position (GRCh38, 1-based): chr17:65,225,359, G>A. VCF-style: chr17-65225359-G-A. GRCh37 (hg19) VCF-style: chr17-63221477-G-A.
Other names: c.1756G>A, p.Gly586Ser (NM_001081955.3); c.1765G>A (NM_003835.3); short protein forms G589S, G586S.
Identifiers: ClinVar variation 1421453 (VCV001421453.6), dbSNP rs201578421, ClinGen allele CA8718143.